The following is an entry in ClinVar:

NM_001621.5(AHR):c.1910_1911del (p.Gln637fs)

Gene: AHR (aryl hydrocarbon receptor; plus strand). Cytogenetic location: 7p21.1.
Variant type: Deletion.
Coding change: c.1910_1911del on transcript NM_001621.5 (MANE Select); coding-DNA positions 1910 to 1911, 2 bases deleted (AG; older notation c.1910_1911delAG).
Protein change: p.Gln637fs; shifts the reading frame from glutamine 637.
Molecular consequence: frameshift variant.
Genome position (GRCh38, 1-based): chr7:17,339,735-17,339,736, AG deleted. VCF-style (leftmost placement, unchanged base first): chr7-17339734-CAG-C. GRCh37 (hg19) VCF-style: chr7-17379358-CAG-C.
Other names: short protein forms Q637fs.
Identifiers: ClinVar variation 1349767 (VCV001349767.6), dbSNP rs2115370127, ClinGen allele CA2573141911.

ClinVar aggregate classification (germline): Pathogenic (1 of 4 stars; one submission).

Submission:

Labcorp Genetics (formerly Invitae), Labcorp
Classification: Pathogenic. Last evaluated: 2024-10-08. Review status: criteria provided, single submitter. Criteria: Invitae Variant Classification Sherloc (09022015). Collection method: clinical testing. Allele origin: germline.
Comment: This sequence change creates a premature translational stop signal (p.Gln637Profs*11) in the AHR gene. It is expected to result in an absent or disrupted protein product. Loss-of-function variants in AHR are known to be pathogenic (PMID: 24106308, 28851966, 29726989, 31009037). This variant is not present in population databases (gnomAD no frequency). This variant has not been reported in the literature in individuals affected with AHR-related conditions. ClinVar contains an entry for this variant (Variation ID: 1349767). For these reasons, this variant has been classified as Pathogenic.

Literature cited by the submitters: PubMed 24106308; PubMed 28851966; PubMed 29726989; PubMed 31009037.